The following is an entry in ClinVar:

ClinVar aggregate classification (germline): Uncertain significance (1 of 4 stars; one submission).

Conditions:
Cardiovascular phenotype. Identifiers: MedGen CN230736.

gnomAD v4.1: 2 of 1,614,092 alleles (0.00012%); highest among the groups gnomAD compares: Admixed American, 0.0033%; no homozygotes.

Submission:

Ambry Genetics
Classification: Uncertain significance for Cardiovascular phenotype. Last evaluated: 2025-11-24. Review status: criteria provided, single submitter. Criteria: Ambry Variant Classification Scheme 2023. Collection method: clinical testing. Allele origin: germline.
Comment: The p.E296D variant (also known as c.888G>T), located in coding exon 8 of the VCL gene, results from a G to T substitution at nucleotide position 888. The glutamic acid at codon 296 is replaced by aspartic acid, an amino acid with highly similar properties. This amino acid position is conserved. In addition, this alteration is predicted to be tolerated by in silico analysis. Based on the available evidence, the clinical significance of this variant remains unclear.

NM_014000.3(VCL):c.888G>T (p.Glu296Asp)

Gene: VCL (vinculin; plus strand). Cytogenetic location: 10q22.2.
Variant type: single nucleotide variant.
Coding change: c.888G>T on transcript NM_014000.3 (MANE Select); coding-DNA position 888, G replaced by T.
Protein change: p.Glu296Asp; replaces glutamic acid 296 with aspartic acid.
Molecular consequence: missense variant.
Genome position (GRCh38, 1-based): chr10:74,083,379, G>T. VCF-style: chr10-74083379-G-T. GRCh37 (hg19) VCF-style: chr10-75843137-G-T.
Other names: c.888G>T, p.Glu296Asp (NM_003373.4); short protein forms E296D.
Identifiers: ClinVar variation 4615414 (VCV004615414.1).